The following is an entry in ClinVar:

NM_000093.5(COL5A1):c.4477C>T (p.Pro1493Ser)

Genes: COL5A1 (collagen type V alpha 1 chain; plus strand), LOC101448202 (uncharacterized LOC101448202; minus strand). Cytogenetic location: 9q34.3.
Variant type: single nucleotide variant.
Coding change: c.4477C>T on transcript NM_000093.5 (MANE Select); coding-DNA position 4477, C replaced by T.
Protein change: p.Pro1493Ser; replaces proline 1493 with serine.
Molecular consequence: missense variant. On other transcripts: non-coding transcript variant (1).
Genome position (GRCh38, 1-based): chr9:134,820,146, C>T. VCF-style: chr9-134820146-C-T. GRCh37 (hg19) VCF-style: chr9-137711992-C-T.
Other names: c.4477C>T, p.Pro1493Ser (NM_001278074.1); short protein forms P1493S.
Identifiers: ClinVar variation 835154 (VCV000835154.11), dbSNP rs1462918582, ClinGen allele CA375457781.

ClinVar aggregate classification (germline): Uncertain significance (1 of 4 stars; one submission).

Conditions:
Ehlers-Danlos syndrome, classic type, 1 (EDSCL1). Also called: Ehlers-Danlos syndrome, type 1; Ehlers-Danlos Syndrome, Classic Type, COL5A1-Related; EDS I; EHLERS-DANLOS SYNDROME, GRAVIS TYPE; EHLERS-DANLOS SYNDROME, SEVERE CLASSIC TYPE. Identifiers: MedGen C0268335, MONDO:0019567, OMIM 130000.

Allele frequency attached by ClinVar (database versions not stated): TOPMed below 0.00001; gnomAD exomes 0.00001.
gnomAD v4.1: 13 of 1,613,990 alleles (0.00081%); highest among the groups gnomAD compares: Non-Finnish European, 0.0011%; no homozygotes.

Submission:

Labcorp Genetics (formerly Invitae), Labcorp
Classification: Uncertain significance for Ehlers-Danlos syndrome, classic type, 1. Last evaluated: 2025-11-18. Review status: criteria provided, single submitter. Criteria: Invitae Variant Classification Sherloc (09022015). Collection method: clinical testing. Allele origin: germline.
Comment: This sequence change replaces proline, which is neutral and non-polar, with serine, which is neutral and polar, at codon 1493 of the COL5A1 protein (p.Pro1493Ser). The frequency data for this variant in the population databases is considered unreliable, as metrics indicate poor data quality at this position in the gnomAD database. This variant has not been reported in the literature in individuals affected with COL5A1-related conditions. ClinVar contains an entry for this variant (Variation ID: 835154). Invitae Evidence Modeling of protein sequence and biophysical properties (such as structural, functional, and spatial information, amino acid conservation, physicochemical variation, residue mobility, and thermodynamic stability) has been performed for this missense variant. However, the output from this modeling did not meet the statistical confidence thresholds required to predict the impact of this variant on COL5A1 protein function. In summary, the available evidence is currently insufficient to determine the role of this variant in disease. Therefore, it has been classified as a Variant of Uncertain Significance.